The following is an entry in ClinVar:

ClinVar aggregate classification (germline): Uncertain significance (1 of 4 stars; one submission).

Allele frequency attached by ClinVar (database versions not stated): gnomAD exomes below 0.00001.
gnomAD v4.1: 4 of 1,613,020 alleles (0.00025%); highest among the groups gnomAD compares: Non-Finnish European, 0.00034%; no homozygotes.

Submission:

Labcorp Genetics (formerly Invitae), Labcorp
Classification: Uncertain significance. Last evaluated: 2022-11-14. Review status: criteria provided, single submitter. Criteria: Invitae Variant Classification Sherloc (09022015). Collection method: clinical testing. Allele origin: germline.
Comment: In summary, the available evidence is currently insufficient to determine the role of this variant in disease. Therefore, it has been classified as a Variant of Uncertain Significance. Algorithms developed to predict the effect of missense changes on protein structure and function are either unavailable or do not agree on the potential impact of this missense change (SIFT: "Deleterious"; PolyPhen-2: "Possibly Damaging"; Align-GVGD: "Class C15"). This variant has not been reported in the literature in individuals affected with SULF1-related conditions. This variant is not present in population databases (gnomAD no frequency). This sequence change replaces isoleucine, which is neutral and non-polar, with asparagine, which is neutral and polar, at codon 473 of the SULF1 protein (p.Ile473Asn).

NM_001128205.2(SULF1):c.1418T>A (p.Ile473Asn)

Gene: SULF1 (sulfatase 1; plus strand). Cytogenetic location: 8q13.3.
Variant type: single nucleotide variant.
Coding change: c.1418T>A on transcript NM_001128205.2 (MANE Select); coding-DNA position 1418, T replaced by A.
Protein change: p.Ile473Asn; replaces isoleucine 473 with asparagine.
Molecular consequence: missense variant. On other transcripts: non-coding transcript variant (7), 5 prime UTR variant (1).
Genome position (GRCh38, 1-based): chr8:69,621,075, T>A. VCF-style: chr8-69621075-T-A. GRCh37 (hg19) VCF-style: chr8-70533310-T-A.
Other names: c.1418T>A, p.Ile473Asn (NM_001128204.2, NM_001128206.2, NM_001412828.1 and 10 more transcripts); c.1289T>A, p.Ile430Asn (NM_001412832.1, NM_001412838.1, NM_001412839.1 and 1 more transcripts); c.1361T>A, p.Ile454Asn (NM_001412836.1, NM_001412837.1); c.1232T>A, p.Ile411Asn (NM_001412841.1, NM_001412842.1); c.818T>A, p.Ile273Asn (NM_001412844.1, NM_001412845.1); c.-374T>A (NM_001412846.1); short protein forms I473N, I273N, I430N, I454N, I411N.
Identifiers: ClinVar variation 2960089 (VCV002960089.3), dbSNP rs2537331981, ClinGen allele CA371229057.
Genomic context (GRCh38, chr8:69,621,075, plus strand): 5'-TTTCACGTTGGCTTTTGCAGAAGTGGCAATGCATTGAGGATACATCTGGCAAGCTTCGAA[T>A]TCACAAGTGTAAAGGACCCAGTGACCTGCTCACAGTCCGGCAGAGCACGCGGAACCTCTA-3'
Protein context (NP_001121677.1, residues 463-483): CIEDTSGKLR[Ile473Asn]HKCKGPSDLL